The following is an entry in ClinVar:

NM_012281.3(KCND2):c.61C>G (p.Pro21Ala)

Gene: KCND2 (potassium voltage-gated channel subfamily D member 2; plus strand). Cytogenetic location: 7q31.31.
Variant type: single nucleotide variant.
Coding change: c.61C>G on transcript NM_012281.3 (MANE Select); coding-DNA position 61, C replaced by G.
Protein change: p.Pro21Ala; replaces proline 21 with alanine.
Molecular consequence: missense variant.
Genome position (GRCh38, 1-based): chr7:120,274,693, C>G. VCF-style: chr7-120274693-C-G. GRCh37 (hg19) VCF-style: chr7-119914747-C-G.
Other names: short protein forms P21A.
Identifiers: ClinVar variation 954629 (VCV000954629.9), dbSNP rs1799145590, ClinGen allele CA369130751.
Genomic context (GRCh38, chr7:120,274,693, plus strand): 5'-ATGGCGGCGGGGGTGGCAGCGTGGCTGCCTTTTGCAAGGGCAGCGGCTATCGGGTGGATG[C>G]CTGTGGCCTCGGGGCCTATGCCGGCTCCCCCGAGGCAGGAGAGGAAAAGGACCCAAGATG-3'
Protein context (NP_036413.1, residues 11-31): FARAAAIGWM[Pro21Ala]VASGPMPAPP

ClinVar aggregate classification (germline): Uncertain significance (1 of 4 stars; one submission).

Conditions:
Early Myoclonic Encephalopathy. Identifiers: MedGen C0270855.

gnomAD v4.1: 4 of 1,614,012 alleles (0.00025%); highest among the groups gnomAD compares: Non-Finnish European, 0.00034%; no homozygotes.

Submission:

Labcorp Genetics (formerly Invitae), Labcorp
Classification: Uncertain significance for Early Myoclonic Encephalopathy. Last evaluated: 2024-07-15. Review status: criteria provided, single submitter. Criteria: Invitae Variant Classification Sherloc (09022015). Collection method: clinical testing. Allele origin: germline.
Comment: This sequence change replaces proline, which is neutral and non-polar, with alanine, which is neutral and non-polar, at codon 21 of the KCND2 protein (p.Pro21Ala). This variant is not present in population databases (gnomAD no frequency). This variant has not been reported in the literature in individuals affected with KCND2-related conditions. ClinVar contains an entry for this variant (Variation ID: 954629). Advanced modeling of protein sequence and biophysical properties (such as structural, functional, and spatial information, amino acid conservation, physicochemical variation, residue mobility, and thermodynamic stability) performed at Invitae indicates that this missense variant is not expected to disrupt KCND2 protein function with a negative predictive value of 80%. In summary, the available evidence is currently insufficient to determine the role of this variant in disease. Therefore, it has been classified as a Variant of Uncertain Significance.